The following is an entry in ClinVar:

NM_003001.5(SDHC):c.173_175dup (p.Ile58_Tyr59insPhe)

Gene: SDHC (succinate dehydrogenase complex subunit C; plus strand). Cytogenetic location: 1q23.3.
Variant type: Duplication.
Coding change: c.173_175dup on transcript NM_003001.5 (MANE Select); coding-DNA positions 173 to 175, 3 bases duplicated (TCT; older notation c.173_175dupTCT).
Protein change: p.Ile58_Tyr59insPhe.
Molecular consequence: inframe insertion. On other transcripts: non-coding transcript variant (1), intron variant (4).
Genome position (GRCh38, 1-based): chr1:161,328,491-161,328,493, TCT duplicated. VCF-style (leftmost placement, unchanged base first): chr1-161328490-A-ATCT. GRCh37 (hg19) VCF-style: chr1-161298280-A-ATCT.
Other names: c.173_175dup, p.Ile58_Tyr59insPhe (NM_001035511.3, NM_001407115.1); c.116_118dup, p.Ile39_Tyr40insPhe (NM_001407116.1, NM_001407117.1, NM_001407121.1); c.62_64dup, p.Ile21_Tyr22insPhe (NM_001407119.1, NM_001407120.1); c.77+4821_77+4823dup (NM_001035512.3, NM_001278172.3, NM_001407118.1); c.21-12103_21-12101dup (NM_001035513.3).
Identifiers: ClinVar variation 946691 (VCV000946691.11), dbSNP rs1671156871, ClinGen allele CA1139655528.

ClinVar aggregate classification (germline): Uncertain significance (1 of 4 stars; one submission).

Conditions:
Gastrointestinal stromal tumor. Also called: Gastrointestinal stromal tumor, somatic; Gastrointestinal stroma tumor. Identifiers: Orphanet 44890, MedGen C0238198, MeSH D046152, MONDO:0011719, OMIM 606764, HP:0100723.
Pheochromocytoma/paraganglioma syndrome 3. Also called: GLOMUS TUMORS, FAMILIAL, 3; SDHC-Related Hereditary Paraganglioma-Pheochromocytoma Syndrome; Paragangliomas 3; SDHC-Related Hereditary Paraganglioma-Pheochromocytoma Syndrome (Paragangliomas 3). Identifiers: Orphanet 29072, MedGen C1854336, MONDO:0011544, OMIM 605373.

Submission:

Labcorp Genetics (formerly Invitae), Labcorp
Classification: Uncertain significance for Pheochromocytoma/paraganglioma syndrome 3; Gastrointestinal stromal tumor. Last evaluated: 2022-10-04. Review status: criteria provided, single submitter. Criteria: Invitae Variant Classification Sherloc (09022015). Collection method: clinical testing. Allele origin: germline.
Comment: In summary, the available evidence is currently insufficient to determine the role of this variant in disease. Therefore, it has been classified as a Variant of Uncertain Significance. Experimental studies and prediction algorithms are not available or were not evaluated, and the functional significance of this variant is currently unknown. ClinVar contains an entry for this variant (Variation ID: 946691). This variant has not been reported in the literature in individuals affected with SDHC-related conditions. This variant is not present in population databases (gnomAD no frequency). This variant, c.173_175dup, results in the insertion of 1 amino acid(s) of the SDHC protein (p.Ile58_Tyr59insPhe), but otherwise preserves the integrity of the reading frame.